The following is an entry in ClinVar:

NM_001024845.3(SLC6A9):c.1290C>T (p.Gly430=)

Gene: SLC6A9 (solute carrier family 6 member 9; minus strand). Cytogenetic location: 1p34.1.
Variant type: single nucleotide variant.
Coding change: c.1290C>T on transcript NM_001024845.3 (MANE Select); coding-DNA position 1290, C replaced by T.
Protein change: p.Gly430=; no amino-acid change (glycine 430 retained).
Molecular consequence: synonymous variant. On other transcripts: non-coding transcript variant (1).
Genome position (GRCh38, 1-based): chr1:44,001,209, G>A on the plus strand (C>T on the coding strand, the complement: SLC6A9 is on the minus strand). VCF-style: chr1-44001209-G-A. GRCh37 (hg19) VCF-style: chr1-44466881-G-A.
Other names: c.1302C>T, p.Gly434= (NM_001261380.2); c.957C>T, p.Gly319= (NM_001328626.2, NM_001328630.2); c.1227C>T, p.Gly409= (NM_001328627.1); c.1095C>T, p.Gly365= (NM_001328628.1); c.1290C>T, p.Gly430= (NM_001328629.1); c.1347C>T, p.Gly449= (NM_006934.4); c.1509C>T, p.Gly503= (NM_201649.4).
Identifiers: ClinVar variation 1590891 (VCV001590891.33), dbSNP rs137855830, ClinGen allele CA817553.
Genomic context (GRCh38, chr1:44,001,209, plus strand): 5'-TTACGCAGCTCTTACCTGGCTGGTGAGGGGGATGCCCAGCAGGAAGCCAGCCACAGCCAC[G>A]CCCAAGGTCACATAGGTCTTTTTCTGCAGGATCCACTCATTCCCCACCTCATCCACAATG-3'
Protein context (NP_001020016.1, residues 420-440): ILQKKTYVTL[Gly430=]VAVAGFLLGI

ClinVar aggregate classification (germline): Likely benign. Review status: criteria provided, multiple submitters, no conflicts (2 of 4 stars). 3 submissions from 3 submitters: Likely benign (3). Last evaluated 2026-01-23.

Conditions:
Atypical glycine encephalopathy. Also called: Glycine encephalopathy with normal serum glycine. Identifiers: Orphanet 289863, MedGen C4310943, MONDO:0015010, OMIM 617301.

Allele frequency attached by ClinVar (database versions not stated): 1000 Genomes Project 30x 0.00016; 1000 Genomes Project 0.00020; ESP Exome Variant Server 0.00038; gnomAD 0.00049 and 0.00051; ExAC 0.00060; gnomAD exomes 0.00060 and 0.00062; TOPMed 0.00071.
gnomAD v4.1: 987 of 1,614,184 alleles (0.061%); highest among the groups gnomAD compares: Admixed American, 0.13%; 1 homozygote.

Submissions (5):

Labcorp Genetics (formerly Invitae), Labcorp
Classification: Likely benign for Atypical glycine encephalopathy. Last evaluated: 2026-01-23. Review status: criteria provided, single submitter. Criteria: Invitae Variant Classification Sherloc (09022015). Collection method: clinical testing. Allele origin: germline.

Women's Health and Genetics/Laboratory Corporation of America, LabCorp
Classification: Likely benign. Last evaluated: 2025-05-20. Review status: criteria provided, single submitter. Criteria: LabCorp Variant Classification Summary - May 2015. Collection method: clinical testing. Allele origin: germline.

CeGaT Center for Human Genetics Tuebingen
Classification: Likely benign. Last evaluated: 2023-04-01. Review status: criteria provided, single submitter. Criteria: CeGaT Center For Human Genetics Tuebingen Variant Classification Criteria Version 2. Collection method: clinical testing. Allele origin: germline. Affected: yes. Observed: 1 variant allele.
Comment: SLC6A9: BP4, BP7

Dr. Peter K. Rogan Lab, Western University
No classification provided (evidence only). Condition: Familial cancer of breast. Review status: no classification provided. Collection method: in vitro. Allele origin: not applicable. Functional consequence: retained intron. Not counted in ClinVar's aggregate classification.

Dr. Peter K. Rogan Lab, Western University
No classification provided (evidence only). Condition: Malignant tumor of esophagus. Review status: no classification provided. Collection method: in vitro. Allele origin: not applicable. Functional consequence: retained intron. Not counted in ClinVar's aggregate classification.